The following is an entry in ClinVar:

NM_002691.4(POLD1):c.2870A>G (p.Tyr957Cys)

Gene: POLD1 (DNA polymerase delta 1, catalytic subunit; plus strand). Cytogenetic location: 19q13.33.
Variant type: single nucleotide variant.
Coding change: c.2870A>G on transcript NM_002691.4 (MANE Select); coding-DNA position 2870, A replaced by G.
Protein change: p.Tyr957Cys; replaces tyrosine 957 with cysteine.
Molecular consequence: missense variant. On other transcripts: non-coding transcript variant (1).
Genome position (GRCh38, 1-based): chr19:50,416,445, A>G. VCF-style: chr19-50416445-A-G. GRCh37 (hg19) VCF-style: chr19-50919702-A-G.
Other names: c.2870A>G, p.Tyr957Cys (NM_001256849.1, NM_001438212.1, NM_001438213.1); c.2948A>G, p.Tyr983Cys (NM_001308632.1); c.2798A>G, p.Tyr933Cys (NM_001438210.1, NM_001438211.1); short protein forms Y983C, Y933C, Y957C.
Identifiers: ClinVar variation 5026970 (VCV005026970.1).
Genomic context (GRCh38, chr19:50,416,445, plus strand): 5'-TGTGGCCGCAGGACCCGCTGTTCGTGCTGGAGCACAGCCTGCCCATTGACACGCAGTACT[A>G]CCTGGAGCAGCAGCTGGCCAAGCCCCTCCTGCGCATCTTCGAGCCCATCCTGGGCGAGGG-3'
Protein context (NP_002682.2, residues 947-967): EHSLPIDTQY[Tyr957Cys]LEQQLAKPLL

ClinVar aggregate classification (germline): Uncertain significance (1 of 4 stars; one submission).

Conditions:
Hereditary cancer-predisposing syndrome. Also called: Neoplastic Syndromes, Hereditary; Tumor predisposition; Hereditary neoplastic syndrome; Hereditary Cancer Syndrome. Identifiers: Orphanet 140162, MedGen C0027672, MeSH D009386, MONDO:0015356.

Submission:

Ambry Genetics
Classification: Uncertain significance for Hereditary cancer-predisposing syndrome. Last evaluated: 2026-07-13. Review status: criteria provided, single submitter. Criteria: Ambry Variant Classification Scheme 2023. Collection method: clinical testing. Allele origin: germline.
Comment: The p.Y957C variant (also known as c.2870A>G), located in coding exon 22 of the POLD1 gene, results from an A to G substitution at nucleotide position 2870. The tyrosine at codon 957 is replaced by cysteine, an amino acid with highly dissimilar properties. This amino acid position is conserved. In addition, this alteration is predicted to be deleterious by in silico analysis. Based on the available evidence, the clinical significance of this variant remains unclear.